The following is an entry in ClinVar:

NM_001354483.2(CSGALNACT1):c.1151C>G (p.Pro384Arg)

Gene: CSGALNACT1 (chondroitin sulfate N-acetylgalactosaminyltransferase 1; minus strand). Cytogenetic location: 8p21.3.
Variant type: single nucleotide variant.
Coding change: c.1151C>G on transcript NM_001354483.2 (MANE Select); coding-DNA position 1151, C replaced by G.
Protein change: p.Pro384Arg; replaces proline 384 with arginine.
Molecular consequence: missense variant. On other transcripts: non-coding transcript variant (7).
Genome position (GRCh38, 1-based): chr8:19,418,732, G>C on the plus strand (C>G on the coding strand, the complement: CSGALNACT1 is on the minus strand). VCF-style: chr8-19418732-G-C. GRCh37 (hg19) VCF-style: chr8-19276243-G-C.
Other names: c.1151C>G (NM_001130518.1); c.1151C>G, p.Pro384Arg (NM_001130518.2, NM_001354475.2, NM_001354476.2 and 18 more transcripts); short protein forms P384R.
Identifiers: ClinVar variation 870477 (VCV000870477.7), dbSNP rs746391651, ClinGen allele CA4653884.
Genomic context (GRCh38, chr8:19,418,732, plus strand): 5'-GGAGGGACTGCATCATGGTGGCCGTATATTATGCCAGGATTGTACTGACTGAAAAGAACT[G>C]GATAAAATACCTTCTTCCCTACAAACCAGAAAACAAACATTCACTTAAAGTGACAGATCC-3'
Protein context (NP_001341412.1, residues 374-394): NTQPGKKVFY[Pro384Arg]VLFSQYNPGI

ClinVar aggregate classification (germline): Conflicting classifications of pathogenicity. Review status: criteria provided, conflicting classifications (1 of 4 stars). 4 submissions from 4 submitters: Likely pathogenic (2); Uncertain significance (1). 1 of the submissions does not count toward it. Last evaluated 2025-10-30.

Conditions:
CSGALNACT1-related disorder. Also called: CSGALNACT1-related condition.
Skeletal dysplasia, mild, with joint laxity and advanced bone age. Identifiers: MedGen C5394341, MONDO:0030029, OMIM 618870.

Allele frequency attached by ClinVar (database versions not stated): gnomAD exomes below 0.00001 and 0.00002; TOPMed below 0.00001; gnomAD 0.00001; ExAC 0.00002.
gnomAD v4.1: 7 of 1,611,014 alleles (0.00043%); highest among the groups gnomAD compares: Non-Finnish European, 0.00059%; no homozygotes.

Submissions (4):

PreventionGenetics, part of Exact Sciences
Classification: Likely pathogenic for CSGALNACT1-related condition. Last evaluated: 2025-10-30. Review status: criteria provided, single submitter. Criteria: ACMG Guidelines, 2015. Collection method: clinical testing. Allele origin: germline.
Comment: The CSGALNACT1 c.1151C>G variant is predicted to result in the amino acid substitution p.Pro384Arg. This variant was reported in the compound heterozygous state in an individual with skeletal dysplasia and joint laxity (Vodopiutz et al. 2017. PubMed ID: 27599773). In vitro functional studies suggest that this variant results in reduced GalNAc-transferase activity. This variant is reported in 0.0054% of alleles in individuals of European (Non-Finnish) descent in gnomAD. This variant is interpreted as likely pathogenic.

Labcorp Genetics (formerly Invitae), Labcorp
Classification: Uncertain significance. Last evaluated: 2024-01-08. Review status: criteria provided, single submitter. Criteria: Invitae Variant Classification Sherloc (09022015). Collection method: clinical testing. Allele origin: germline.
Comment: This sequence change replaces proline, which is neutral and non-polar, with arginine, which is basic and polar, at codon 384 of the CSGALNACT1 protein (p.Pro384Arg). This variant is present in population databases (rs746391651, gnomAD 0.006%). This missense change has been observed in individual(s) with CSGALNACT1-related conditions (PMID: 27599773). In at least one individual the data is consistent with being in trans (on the opposite chromosome) from a pathogenic variant. ClinVar contains an entry for this variant (Variation ID: 870477). Advanced modeling of protein sequence and biophysical properties (such as structural, functional, and spatial information, amino acid conservation, physicochemical variation, residue mobility, and thermodynamic stability) performed at Invitae indicates that this missense variant is expected to disrupt CSGALNACT1 protein function with a positive predictive value of 80%. Experimental studies have shown that this missense change affects CSGALNACT1 function (PMID: 27599773). In summary, the available evidence is currently insufficient to determine the role of this variant in disease. Therefore, it has been classified as a Variant of Uncertain Significance.

SIB Swiss Institute of Bioinformatics
Classification: Likely pathogenic for Skeletal dysplasia, mild, with joint laxity and advanced bone age. Last evaluated: 2020-12-04. Review status: criteria provided, single submitter. Criteria: ACMG Guidelines, 2015. Collection method: curation. Allele origin: unknown.
Comment: This variant is interpreted as Likely pathogenic for Skeletal dysplasia, mild, with joint laxity and advanced bone age, autosomal recessive. The following ACMG Tag(s) were applied: Absent from controls (or at extremely low frequency if recessive) in Exome Sequencing Project, 1000 Genomes Project, or Exome Aggregation Consortium (PM2); Multiple lines of computational evidence support a deleterious effect on the gene or gene product (PP3); Well-established functional studies show a deleterious effect (PS3 downgraded to moderate); For recessive disorders, detected in trans with a pathogenic variant (PM3).

OMIM
Classification: Pathogenic for SKELETAL DYSPLASIA, MILD, WITH JOINT LAXITY AND ADVANCED BONE AGE. Last evaluated: 2020-05-01. Review status: no assertion criteria provided. Collection method: literature only. Allele origin: germline. Not counted in ClinVar's aggregate classification.

Literature cited by the submitters: PubMed 27599773 (cited by 3 submitters).